The following is an entry in ClinVar:

ClinVar aggregate classification (germline): Likely benign (0 of 4 stars; one submission).

Conditions:
PLXNA4-related disorder. Also called: PLXNA4-related condition.

gnomAD v4.1: 12 of 1,614,194 alleles (0.00074%); highest among the groups gnomAD compares: Non-Finnish European, 0.00085%; no homozygotes.

Submission:

PreventionGenetics, part of Exact Sciences
Classification: Likely benign for PLXNA4-related condition. Last evaluated: 2021-10-08. Review status: no assertion criteria provided. Collection method: clinical testing. Allele origin: germline.
Comment: This variant is classified as likely benign based on ACMG/AMP sequence variant interpretation guidelines (Richards et al. 2015 PMID: 25741868, with internal and published modifications).

NM_020911.2(PLXNA4):c.192C>T (p.Tyr64=)

Gene: PLXNA4 (plexin A4; minus strand). Cytogenetic location: 7q32.3.
Variant type: single nucleotide variant.
Coding change: c.192C>T on transcript NM_020911.2 (MANE Select); coding-DNA position 192, C replaced by T.
Protein change: p.Tyr64=; no amino-acid change (tyrosine 64 retained).
Molecular consequence: synonymous variant.
Genome position (GRCh38, 1-based): chr7:132,508,502, G>A on the plus strand (C>T on the coding strand, the complement: PLXNA4 is on the minus strand). VCF-style: chr7-132508502-G-A. GRCh37 (hg19) VCF-style: chr7-132193261-G-A.
Other names: c.192C>T, p.Tyr64= (NM_001105543.2, NM_001393897.1, NM_181775.4).
Identifiers: ClinVar variation 3355418 (VCV003355418.1).
Genomic context (GRCh38, chr7:132,508,502, plus strand): 5'-ATGCGTCACCAAGACCTTCAGGTCGCTGGAGAGCTTGTAAATCCGATTGACGGCCCCCAA[G>A]TAAATGTGTCCTGTCCTCTCATCCACCACCAGGTGATTGAAACCCTCGGCGGGCTCTCCT-3'
Protein context (NP_065962.1, residues 54-74): LVVDERTGHI[Tyr64=]LGAVNRIYKL